The following is an entry in ClinVar:

ClinVar aggregate classification (germline): Uncertain significance (1 of 4 stars; one submission).

Conditions:
Cardiovascular phenotype. Identifiers: MedGen CN230736.

Submission:

Ambry Genetics
Classification: Uncertain significance for Cardiovascular phenotype. Last evaluated: 2025-06-17. Review status: criteria provided, single submitter. Criteria: Ambry Variant Classification Scheme 2023. Collection method: clinical testing. Allele origin: germline.
Comment: The p.L129M variant (also known as c.385C>A), located in coding exon 1 of the DES gene, results from a C to A substitution at nucleotide position 385. The leucine at codon 129 is replaced by methionine, an amino acid with highly similar properties. This amino acid position is conserved. In addition, this alteration is predicted to be deleterious by in silico analysis. Based on the available evidence, the clinical significance of this variant remains unclear.

NM_001927.4(DES):c.385C>A (p.Leu129Met)

Gene: DES (desmin; plus strand). Cytogenetic location: 2q35.
Variant type: single nucleotide variant.
Coding change: c.385C>A on transcript NM_001927.4 (MANE Select); coding-DNA position 385, C replaced by A.
Protein change: p.Leu129Met; replaces leucine 129 with methionine.
Molecular consequence: missense variant.
Genome position (GRCh38, 1-based): chr2:219,418,847, C>A. VCF-style: chr2-219418847-C-A. GRCh37 (hg19) VCF-style: chr2-220283569-C-A.
Other names: c.385C>A, p.Leu129Met (NM_001382708.1, NM_001382709.1, NM_001382710.1 and 3 more transcripts); short protein forms L129M.
Identifiers: ClinVar variation 4239714 (VCV004239714.1).
Genomic context (GRCh38, chr2:219,418,847, plus strand): 5'-AAGGTGGAGCTGCAGGAGCTCAATGACCGCTTCGCCAACTACATCGAGAAGGTGCGCTTC[C>A]TGGAGCAGCAGAACGCGGCGCTCGCCGCCGAAGTGAACCGGCTCAAGGGCCGCGAGCCGA-3'
Protein context (NP_001918.3, residues 119-139): FANYIEKVRF[Leu129Met]EQQNAALAAE